The following is an entry in ClinVar:

NM_000521.4(HEXB):c.1265A>T (p.Glu422Val)

Gene: HEXB (hexosaminidase subunit beta; plus strand). Cytogenetic location: 5q13.3.
Variant type: single nucleotide variant.
Coding change: c.1265A>T on transcript NM_000521.4 (MANE Select); coding-DNA position 1265, A replaced by T.
Protein change: p.Glu422Val; replaces glutamic acid 422 with valine.
Molecular consequence: missense variant.
Genome position (GRCh38, 1-based): chr5:74,718,819, A>T. VCF-style: chr5-74718819-A-T. GRCh37 (hg19) VCF-style: chr5-74014644-A-T.
Other names: c.590A>T, p.Glu197Val (NM_001292004.2); short protein forms E197V, E422V.
Identifiers: ClinVar variation 929240 (VCV000929240.13), dbSNP rs757550590, ClinGen allele CA3306093.

ClinVar aggregate classification (germline): Uncertain significance. Review status: criteria provided, multiple submitters, no conflicts (2 of 4 stars). 3 submissions from 3 submitters: Uncertain significance (2). 1 of the submissions does not count toward it. Last evaluated 2019-08-01.

Conditions:
Sandhoff disease. Also called: GM2-GANGLIOSIDOSIS, TYPE II; HEXOSAMINIDASES A AND B DEFICIENCY; Beta-hexosaminidase-beta-subunit deficiency; GM2 gangliosidosis, type 2; Total hexosaminidase deficiency; Sandhoff-Jatzkewitz-Pilz disease. Identifiers: Orphanet 796, MedGen C0036161, MONDO:0010006, OMIM 268800.

Allele frequency attached by ClinVar (database versions not stated): gnomAD exomes below 0.00001; ExAC 0.00001.
gnomAD v4.1: 1 of 1,614,136 alleles (0.000062%); highest among the groups gnomAD compares: Admixed American, 0.0017%; no homozygotes.

Submissions (3):

Women's Health and Genetics/Laboratory Corporation of America, LabCorp
Classification: Uncertain significance. Last evaluated: 2019-08-01. Review status: criteria provided, single submitter. Criteria: LabCorp Variant Classification Summary - May 2015. Collection method: clinical testing. Allele origin: germline.
Comment: Variant summary: HEXB c.1265A>T (p.Glu422Val) results in a non-conservative amino acid change located in the Glycoside hydrolase family 20, catalytic domain (IPR015883) of the encoded protein sequence. Four of five in-silico tools predict a damaging effect of the variant on protein function. The variant allele was found at a frequency of 4e-06 in 251418 control chromosomes (gnomAD). The available data on variant occurrences in the general population are insufficient to allow any conclusion about variant significance. To our knowledge, no occurrence of c.1265A>T in individuals affected with Sandhoff Disease and no experimental evidence demonstrating its impact on protein function have been reported. No submitters have provided clinical-significance assessments for this variant to ClinVar after 2014. Based on the evidence outlined above, the variant was classified as uncertain significance.

Labcorp Genetics (formerly Invitae), Labcorp
Classification: Uncertain significance for Sandhoff disease. Last evaluated: 2019-07-08. Review status: criteria provided, single submitter. Criteria: Invitae Variant Classification Sherloc (09022015). Collection method: clinical testing. Allele origin: germline.
Comment: This variant has not been reported in the literature in individuals with HEXB-related conditions. In summary, the available evidence is currently insufficient to determine the role of this variant in disease. Therefore, it has been classified as a Variant of Uncertain Significance. Algorithms developed to predict the effect of missense changes on protein structure and function are either unavailable or do not agree on the potential impact of this missense change (SIFT: "Deleterious"; PolyPhen-2: "Benign"; Align-GVGD: "Class C25"). This variant is present in population databases (rs757550590, ExAC 0.009%). This sequence change replaces glutamic acid with valine at codon 422 of the HEXB protein (p.Glu422Val). The glutamic acid residue is moderately conserved and there is a moderate physicochemical difference between glutamic acid and valine.

Natera, Inc.
Classification: Uncertain significance for Sandhoff disease. Last evaluated: 2020-06-05. Review status: no assertion criteria provided. Collection method: clinical testing. Allele origin: germline. Not counted in ClinVar's aggregate classification.